The following is an entry in ClinVar:

NM_175914.5(HNF4A):c.*657G>A

Gene: HNF4A (hepatocyte nuclear factor 4 alpha; plus strand). Cytogenetic location: 20q13.12.
Variant type: single nucleotide variant.
Coding change: c.*657G>A on transcript NM_175914.5 (MANE Select); 657 bases downstream of the stop codon, G replaced by A.
Molecular consequence: 3 prime UTR variant.
Genome position (GRCh38, 1-based): chr20:44,430,322, G>A. VCF-style: chr20-44430322-G-A. GRCh37 (hg19) VCF-style: chr20-43058962-G-A.
Other names: c.*657G>A (NM_000457.6, NM_001030003.3, NM_001258355.2 and 3 more transcripts).
Identifiers: ClinVar variation 895326 (VCV000895326.6), dbSNP rs3212209, ClinGen allele CA315421387.
Genomic context (GRCh38, chr20:44,430,322, plus strand): 5'-GTAAGCACTGACTGGGACCAGGCACCAGGCAGGGTCTAGAAGGCTGTGGTGAGGGAAGAC[G>A]CCTTTCTCCTCCAACCCAACCTCATCCTCCTTCTTCAGGGACTTGGGTGGGTACTTGGGT-3'

ClinVar aggregate classification (germline): Benign/Likely benign. Review status: criteria provided, multiple submitters, no conflicts (2 of 4 stars). 4 submissions from 3 submitters: Benign (2); Likely benign (2). Last evaluated 2021-09-17.

Conditions:
Maturity-onset diabetes of the young (MODY). Also called: Maturity onset diabetes mellitus in young. Identifiers: Orphanet 552, MedGen C0342276, MONDO:0018911, HP:0004904.
Maturity-onset diabetes of the young type 1. Also called: MODY type 1; Diabetes mellitus MODY type 1; MODY HNF4A related; MILD JUVENILE DIABETES MELLITUS; HNF4A-Related Maturity-Onset Diabetes of the Young Type 1; MODY, type I. Identifiers: Orphanet 552, MedGen C1852093, MONDO:0007452, OMIM 125850. Disease mechanism: loss of function.
Familial hyperinsulinism. Also called: Congenital hyperinsulinism. Identifiers: Orphanet 276525, MedGen C3888018, MONDO:0017182. Disease mechanism: loss of function.

Allele frequency attached by ClinVar (database versions not stated): TOPMed 0.00362; 1000 Genomes Project 30x 0.00765; 1000 Genomes Project 0.00799.

Submissions (4):

GeneDx
Classification: Likely benign. Last evaluated: 2021-09-17. Review status: criteria provided, single submitter. Criteria: GeneDx Variant Classification Process June 2021. Collection method: clinical testing. Allele origin: germline. Affected: yes.
Comment: See Variant Classification Assertion Criteria.

Illumina Laboratory Services, Illumina
Classification: Benign for Maturity-onset diabetes of the young type 1. Last evaluated: 2018-01-13. Review status: criteria provided, single submitter. Criteria: ICSL Variant Classification Criteria 13 December 2019. Collection method: clinical testing. Allele origin: germline.
Comment: This variant was observed in the ICSL laboratory as part of a predisposition screen in an ostensibly healthy population. It had not been previously curated by ICSL or reported in the Human Gene Mutation Database (HGMD: prior to June 1st, 2018), and was therefore a candidate for classification through an automated scoring system. Utilizing variant allele frequency, disease prevalence and penetrance estimates, and inheritance mode, an automated score was calculated to assess if this variant is too frequent to cause the disease. Based on the score and internal cut-off values, a variant classified as benign is not then subjected to further curation. The score for this variant resulted in a classification of benign for this disease.

Illumina Laboratory Services, Illumina
Classification: Likely benign for Familial hyperinsulinism. Last evaluated: 2018-01-13. Review status: criteria provided, single submitter. Criteria: ICSL Variant Classification Criteria 13 December 2019. Collection method: clinical testing. Allele origin: germline.
Comment: This variant was observed in the ICSL laboratory as part of a predisposition screen in an ostensibly healthy population. It had not been previously curated by ICSL or reported in the Human Gene Mutation Database (HGMD: prior to June 1st, 2018), and was therefore a candidate for classification through an automated scoring system. Utilizing variant allele frequency, disease prevalence and penetrance estimates, and inheritance mode, an automated score was calculated to assess if this variant is too frequent to cause the disease. Based on the score and internal cut-off values, a variant classified as likely benign is not then subjected to further curation. The score for this variant resulted in a classification of likely benign for this disease.

Clinical Genomics, Uppaluri K&H Personalized Medicine Clinic
Classification: Benign for Maturity-onset diabetes of the young. Review status: criteria provided, single submitter. Criteria: K & H Uppaluri Personalized Medicine Clinic Variant Classification & Assertion Criteria_Updated V.1. Collection method: research. Allele origin: unknown. Inheritance: Autosomal dominant inheritance.
Comment: Potent mutations in HNF4A are associated with poor insulin secretion in response to hyperglycemia. Associated with MODY1. Patients initially respond well to sulfonylureas but eventually become insulin dependent. However, more evidence is required to ascertain the role of this particular variant rs3212209 in MODY, yet.

Literature cited by the submitters: DOI 10.1159/000334532 (cited by Clinical Genomics, Uppaluri K&H Personalized Medicine Clinic); PubMed 18268044 (cited by Clinical Genomics, Uppaluri K&H Personalized Medicine Clinic); PubMed 17563455 (cited by Clinical Genomics, Uppaluri K&H Personalized Medicine Clinic); PubMed 32583173 (cited by Clinical Genomics, Uppaluri K&H Personalized Medicine Clinic); PubMed 35052457 (cited by Clinical Genomics, Uppaluri K&H Personalized Medicine Clinic); PubMed 35118593 (cited by Clinical Genomics, Uppaluri K&H Personalized Medicine Clinic).